The following is an entry in ClinVar:

NM_024642.5(GALNT12):c.832G>C (p.Gly278Arg)

Gene: GALNT12 (polypeptide N-acetylgalactosaminyltransferase 12; plus strand). Cytogenetic location: 9q22.33.
Variant type: single nucleotide variant.
Coding change: c.832G>C on transcript NM_024642.5 (MANE Select); coding-DNA position 832, G replaced by C.
Protein change: p.Gly278Arg; replaces glycine 278 with arginine.
Molecular consequence: missense variant.
Genome position (GRCh38, 1-based): chr9:98,831,872, G>C. VCF-style: chr9-98831872-G-C. GRCh37 (hg19) VCF-style: chr9-101594154-G-C.
Other names: short protein forms G278R.
Identifiers: ClinVar variation 3518516 (VCV003518516.1).
Genomic context (GRCh38, chr9:98,831,872, plus strand): 5'-GATGTGATCGACTGGAACACCTTCGAATACCTGGGGAACTCCGGGGAGCCCCAGATCGGC[G>C]GTTTCGACTGGAGGCTGGTGTTCACGTGGCACACAGTTCCTGAGAGGGAGAGGATACGGA-3'
Protein context (NP_078918.3, residues 268-288): LGNSGEPQIG[Gly278Arg]FDWRLVFTWH

ClinVar aggregate classification (germline): Uncertain significance (1 of 4 stars; one submission).

Submission:

Ambry Genetics
Classification: Uncertain significance. Last evaluated: 2024-11-17. Review status: criteria provided, single submitter. Criteria: Ambry Variant Classification Scheme 2023. Collection method: clinical testing. Allele origin: germline.
Comment: The p.G278R variant (also known as c.832G>C), located in coding exon 4 of the GALNT12 gene, results from a G to C substitution at nucleotide position 832. The glycine at codon 278 is replaced by arginine, an amino acid with dissimilar properties. This amino acid position is conserved. In addition, this alteration is predicted to be deleterious by in silico analysis. Based on the available evidence, the clinical significance of this variant remains unclear.